The following is an entry in ClinVar:

NM_133510.4(RAD51B):c.802G>A (p.Ala268Thr)

Gene: RAD51B (RAD51 paralog B; plus strand). Cytogenetic location: 14q24.1.
Variant type: single nucleotide variant.
Coding change: c.802G>A on transcript NM_133510.4 (MANE Select); coding-DNA position 802, G replaced by A.
Protein change: p.Ala268Thr; replaces alanine 268 with threonine.
Molecular consequence: missense variant.
Genome position (GRCh38, 1-based): chr14:68,291,929, G>A. VCF-style: chr14-68291929-G-A. GRCh37 (hg19) VCF-style: chr14-68758646-G-A.
Other names: c.802G>A, p.Ala268Thr (NM_001321814.2, NM_001321818.2, NM_001321819.1 and 6 more transcripts); c.688G>A, p.Ala230Thr (NM_001321815.1); c.445G>A, p.Ala149Thr (NM_001321817.2); short protein forms A230T, A149T, A268T.
Identifiers: ClinVar variation 5027765 (VCV005027765.1).

ClinVar aggregate classification (germline): Uncertain significance (1 of 4 stars; one submission).

Submission:

Ambry Genetics
Classification: Uncertain significance. Last evaluated: 2026-06-24. Review status: criteria provided, single submitter. Criteria: Ambry Variant Classification Scheme 2023. Collection method: clinical testing. Allele origin: germline.
Comment: The p.A268T variant (also known as c.802G>A), located in coding exon 7 of the RAD51B gene, results from a G to A substitution at nucleotide position 802. The alanine at codon 268 is replaced by threonine, an amino acid with similar properties. This amino acid position is conserved. In addition, this alteration is predicted to be tolerated by in silico analysis. Based on the available evidence, the clinical significance of this variant remains unclear.